The following is an entry in ClinVar:

ClinVar aggregate classification (germline): Uncertain significance. Review status: criteria provided, multiple submitters, no conflicts (2 of 4 stars). 2 submissions from 2 submitters: Uncertain significance (2). Last evaluated 2025-05-14.

Allele frequency attached by ClinVar (database versions not stated): gnomAD exomes 0.00013 and 0.00007; gnomAD 0.00001; TOPMed 0.00001.
gnomAD v4.1: 163 of 1,487,468 alleles (0.011%); highest among the groups gnomAD compares: Non-Finnish European, 0.014%; no homozygotes.

Submissions (2):

Ambry Genetics
Classification: Uncertain significance. Last evaluated: 2025-05-14. Review status: criteria provided, single submitter. Criteria: Ambry Variant Classification Scheme 2023. Collection method: clinical testing. Allele origin: germline.

Labcorp Genetics (formerly Invitae), Labcorp
Classification: Uncertain significance. Last evaluated: 2020-11-12. Review status: criteria provided, single submitter. Criteria: Invitae Variant Classification Sherloc (09022015). Collection method: clinical testing. Allele origin: germline.
Comment: This sequence change replaces glutamine with lysine at codon 351 of the SAMD11 protein (p.Gln351Lys). The glutamine residue is highly conserved and there is a small physicochemical difference between glutamine and lysine. In summary, the available evidence is currently insufficient to determine the role of this variant in disease. Therefore, it has been classified as a Variant of Uncertain Significance. Algorithms developed to predict the effect of missense changes on protein structure and function are either unavailable or do not agree on the potential impact of this missense change (SIFT: "Deleterious"; PolyPhen-2: "Probably Damaging"; Align-GVGD: "Class C0"). This variant has not been reported in the literature in individuals with SAMD11-related conditions. The frequency data for this variant in the population databases is considered unreliable, as metrics indicate insufficient coverage at this position in the ExAC database.

NM_001385641.1(SAMD11):c.1540C>A (p.Gln514Lys)

Gene: SAMD11 (sterile alpha motif domain containing 11; plus strand). Cytogenetic location: 1p36.33.
Variant type: single nucleotide variant.
Coding change: c.1540C>A on transcript NM_001385641.1 (MANE Select); coding-DNA position 1540, C replaced by A.
Protein change: p.Gln514Lys; replaces glutamine 514 with lysine.
Molecular consequence: missense variant.
Genome position (GRCh38, 1-based): chr1:942,475, C>A. VCF-style: chr1-942475-C-A. GRCh37 (hg19) VCF-style: chr1-877855-C-A.
Other names: c.1543C>A, p.Gln515Lys (NM_001385640.1); c.1051C>A, p.Gln351Lys (NM_152486.4); c.1051C>A (NM_152486.2); short protein forms Q351K, Q514K, Q515K.
Identifiers: ClinVar variation 1416093 (VCV001416093.8), dbSNP rs1177349298, ClinGen allele CA337807673.
Genomic context (GRCh38, chr1:942,475, plus strand): 5'-GGCTTCCTGCCCCCCGCGCAGGCGGAGATGTTCGCCTGGCAGCAGGAGCTCCTGCGGAAG[C>A]AGAACCTGGCCCGGTAGGTGCGGGGAGGCGGGCGGGGCCGCGCGGCCCGGGAGGCGGCTG-3'
Protein context (NP_001372570.1, residues 504-524): FAWQQELLRK[Gln514Lys]NLARLELPAD